The following is an entry in ClinVar:

NM_000059.4(BRCA2):c.8611del (p.Glu2871fs)

Gene: BRCA2 (BRCA2 DNA repair associated; plus strand). Cytogenetic location: 13q13.1.
Variant type: Deletion.
Coding change: c.8611del on transcript NM_000059.4 (MANE Select); coding-DNA position 8611, one base deleted (G; older notation c.8611delG).
Protein change: p.Glu2871fs; shifts the reading frame from glutamic acid 2871.
Molecular consequence: frameshift variant. On other transcripts: non-coding transcript variant (1).
Genome position (GRCh38, 1-based): chr13:32,371,079, G deleted; the last of 2 consecutive G bases (chr13:32,371,078-32,371,079); deleting either gives the same sequence. VCF-style (leftmost placement, unchanged base first): chr13-32371077-AG-A. GRCh37 (hg19) VCF-style: chr13-32945214-AG-A.
Other names: c.8515del, p.Glu2839fs (NM_001406719.1); c.8611del, p.Glu2871fs (NM_001406720.1, NM_001432077.1); c.3679del, p.Glu1227fs (NM_001406721.1); c.2194del, p.Glu732fs (NM_001406722.1); short protein forms E1227fs, E2839fs, E2871fs, E732fs.
Identifiers: ClinVar variation 3904476 (VCV003904476.1).

ClinVar aggregate classification (germline): Pathogenic (1 of 4 stars; one submission).

Conditions:
Breast-ovarian cancer, familial, susceptibility to, 2 (BROVCA2). Also called: BRCA2 Hereditary Breast and Ovarian Cancer. Identifiers: Orphanet 145, MedGen C2675520, MONDO:0012933, OMIM 612555. Disease mechanism: loss of function.

Submission:

Myriad Genetics, Inc.
Classification: Pathogenic for Breast-ovarian cancer, familial, susceptibility to, 2. Last evaluated: 2025-01-30. Review status: criteria provided, single submitter. Criteria: Myriad Autosomal Dominant, Autosomal Recessive and X-Linked Classification Criteria (2023). Collection method: clinical testing. Allele origin: unknown.
Comment: This variant is considered pathogenic. This variant creates a frameshift predicted to result in premature protein truncation.